The following is an entry in ClinVar:

NM_001458.5(FLNC):c.4068C>T (p.Phe1356=)

Gene: FLNC (filamin C; plus strand). Cytogenetic location: 7q32.1.
Variant type: single nucleotide variant.
Coding change: c.4068C>T on transcript NM_001458.5 (MANE Select); coding-DNA position 4068, C replaced by T.
Protein change: p.Phe1356=; no amino-acid change (phenylalanine 1356 retained).
Molecular consequence: synonymous variant.
Genome position (GRCh38, 1-based): chr7:128,846,404, C>T. VCF-style: chr7-128846404-C-T. GRCh37 (hg19) VCF-style: chr7-128486458-C-T.
Other names: c.4068C>T, p.Phe1356= (NM_001127487.2).
Identifiers: ClinVar variation 539499 (VCV000539499.30), dbSNP rs745413025, ClinGen allele CA4475232.

ClinVar aggregate classification (germline): Likely benign. Review status: criteria provided, multiple submitters, no conflicts (2 of 4 stars). 3 submissions from 3 submitters: Likely benign (3). Last evaluated 2026-01-26.

Conditions:
Myofibrillar myopathy 5. Also called: Filaminopathy (type); FILAMINOPATHY, AUTOSOMAL DOMINANT. Identifiers: Orphanet 171445, MedGen C1836050, MONDO:0012289, OMIM 609524.
Distal myopathy with posterior leg and anterior hand involvement. Also called: WILLIAMS DISTAL MYOPATHY. Identifiers: Orphanet 63273, MedGen C3279722, MONDO:0013550, OMIM 614065.
Hypertrophic cardiomyopathy 26. Also called: Cardiomyopathy, familial hypertrophic, 26. Identifiers: Orphanet 75249, MedGen C4310749, MONDO:0014883, OMIM 617047.
Cardiovascular phenotype. Identifiers: MedGen CN230736.

Allele frequency attached by ClinVar (database versions not stated): gnomAD 0.00001; TOPMed 0.00001; ExAC 0.00002; gnomAD exomes 0.00002.
gnomAD v4.1: 17 of 1,609,082 alleles (0.0011%); highest among the groups gnomAD compares: Middle Eastern, 0.033%; no homozygotes.

Submissions (3):

Labcorp Genetics (formerly Invitae), Labcorp
Classification: Likely benign for Distal myopathy with posterior leg and anterior hand involvement; Myofibrillar myopathy 5; Hypertrophic cardiomyopathy 26. Last evaluated: 2026-01-26. Review status: criteria provided, single submitter. Criteria: Invitae Variant Classification Sherloc (09022015). Collection method: clinical testing. Allele origin: germline.

CeGaT Center for Human Genetics Tuebingen
Classification: Likely benign. Last evaluated: 2024-08-01. Review status: criteria provided, single submitter. Criteria: CeGaT Center For Human Genetics Tuebingen Variant Classification Criteria Version 2. Collection method: clinical testing. Allele origin: germline. Affected: yes. Observed: 1 variant allele.
Comment: FLNC: BP4, BP7

Ambry Genetics
Classification: Likely benign for Cardiovascular phenotype. Last evaluated: 2023-09-06. Review status: criteria provided, single submitter. Criteria: Ambry Variant Classification Scheme 2023. Collection method: clinical testing. Allele origin: germline.